The following is an entry in ClinVar:

ClinVar aggregate classification (germline): Conflicting classifications of pathogenicity. Review status: criteria provided, conflicting classifications (1 of 4 stars). 4 submissions from 4 submitters: Uncertain significance (3); Likely benign (1). Last evaluated 2025-09-27.

Conditions:
Hereditary spastic paraplegia 48. Also called: Spastic paraplegia 48; SPASTIC PARAPLEGIA 48, AUTOSOMAL RECESSIVE. Identifiers: Orphanet 306511, MedGen C3150901, MONDO:0013342, OMIM 613647.
Inborn genetic diseases. Identifiers: MedGen C0950123, MeSH D030342.

Allele frequency attached by ClinVar (database versions not stated): gnomAD 0.00001; TOPMed 0.00003; gnomAD exomes 0.00006; ExAC 0.00007.
gnomAD v4.1: 73 of 1,284,620 alleles (0.0057%); highest among the groups gnomAD compares: Middle Eastern, 0.026%; no homozygotes.

Submissions (4):

Ambry Genetics
Classification: Likely benign for Inborn genetic diseases. Last evaluated: 2025-09-27. Review status: criteria provided, single submitter. Criteria: Ambry Variant Classification Scheme 2023. Collection method: clinical testing. Allele origin: germline.

Labcorp Genetics (formerly Invitae), Labcorp
Classification: Uncertain significance for Hereditary spastic paraplegia 48. Last evaluated: 2025-09-02. Review status: criteria provided, single submitter. Criteria: Invitae Variant Classification Sherloc (09022015). Collection method: clinical testing. Allele origin: germline.
Comment: This sequence change replaces valine, which is neutral and non-polar, with isoleucine, which is neutral and non-polar, at codon 211 of the AP5Z1 protein (p.Val211Ile). The frequency data for this variant in the population databases is considered unreliable, as metrics indicate poor data quality at this position in the gnomAD database. This variant has not been reported in the literature in individuals affected with AP5Z1-related conditions. ClinVar contains an entry for this variant (Variation ID: 910692). Invitae Evidence Modeling of protein sequence and biophysical properties (such as structural, functional, and spatial information, amino acid conservation, physicochemical variation, residue mobility, and thermodynamic stability) indicates that this missense variant is not expected to disrupt AP5Z1 protein function with a negative predictive value of 80%. In summary, the available evidence is currently insufficient to determine the role of this variant in disease. Therefore, it has been classified as a Variant of Uncertain Significance.

Mayo Clinic Laboratories, Mayo Clinic
Classification: Uncertain significance. Last evaluated: 2020-04-23. Review status: criteria provided, single submitter. Criteria: ACMG Guidelines, 2015. Collection method: clinical testing. Allele origin: germline. Observed: 1 variant allele.

Illumina Laboratory Services, Illumina
Classification: Uncertain significance for Hereditary spastic paraplegia 48. Last evaluated: 2018-01-13. Review status: criteria provided, single submitter. Criteria: ICSL Variant Classification Criteria 13 December 2019. Collection method: clinical testing. Allele origin: germline.

NM_014855.3(AP5Z1):c.631G>A (p.Val211Ile)

Gene: AP5Z1 (adaptor related protein complex 5 subunit zeta 1; plus strand). Cytogenetic location: 7p22.1.
Variant type: single nucleotide variant.
Coding change: c.631G>A on transcript NM_014855.3 (MANE Select); coding-DNA position 631, G replaced by A.
Protein change: p.Val211Ile; replaces valine 211 with isoleucine.
Molecular consequence: missense variant. On other transcripts: non-coding transcript variant (1).
Genome position (GRCh38, 1-based): chr7:4,784,212, G>A. VCF-style: chr7-4784212-G-A. GRCh37 (hg19) VCF-style: chr7-4823843-G-A.
Other names: c.163G>A, p.Val55Ile (NM_001364858.1); short protein forms V55I, V211I.
Identifiers: ClinVar variation 910692 (VCV000910692.14), dbSNP rs771385792, ClinGen allele CA4137299.